The following is an entry in ClinVar:

ClinVar aggregate classification (germline): Uncertain significance (1 of 4 stars; one submission).

Submission:

GeneDx
Classification: Uncertain significance. Last evaluated: 2013-07-09. Review status: criteria provided, single submitter. Criteria: GeneDx Variant Classification (06012015). Collection method: clinical testing. Allele origin: germline. Affected: yes.
Comment: Missense variants in the TTN gene are considered 'unclassified' if they are not previously reported in the literature and do not have >1% frequency in the population to be considered a polymorphism. Research indicates that truncating mutations in the TTN gene are expected to account for approximately 25% of familial and 18% of sporadic idiopathic DCM; however, truncating variants in the TTN gene have been reported in approximately 3% of reported control alleles. There has been little investigation into non-truncating variants. (Herman D et al. Truncations of titin causing dilated cardiomyopathy. N Eng J Med 366:619-628, 2012) The variant is found in DCM panel(s).

NM_001267550.2(TTN):c.106668A>C (p.Lys35556Asn)

Genes: TTN (titin; minus strand), TTN-AS1 (TTN antisense RNA 1; plus strand). Cytogenetic location: 2q31.2.
Variant type: single nucleotide variant.
Coding change: c.106668A>C on transcript NM_001267550.2 (MANE Select); coding-DNA position 106668, A replaced by C.
Protein change: p.Lys35556Asn; replaces lysine 35556 with asparagine.
Molecular consequence: missense variant.
Genome position (GRCh38, 1-based): chr2:178,529,083, T>G on the plus strand (A>C on the coding strand, the complement: TTN is on the minus strand). VCF-style: chr2-178529083-T-G. GRCh37 (hg19) VCF-style: chr2-179393810-T-G.
Other names: p.K33915N:AAA>AAC; c.101745A>C, p.Lys33915Asn (NM_001256850.1); c.79473A>C, p.Lys26491Asn (NM_003319.4); c.98964A>C, p.Lys32988Asn (NM_133378.4); c.79848A>C, p.Lys26616Asn (NM_133432.3); c.80049A>C, p.Lys26683Asn (NM_133437.4); short protein forms K33915N, K35556N, K26616N, K32988N, K26491N, K26683N.
Identifiers: ClinVar variation 203107 (VCV000203107.2), dbSNP rs763925635, ClinGen allele CA311263.
Genomic context (GRCh38, chr2:178,529,083, plus strand): 5'-GACTTCTTCAGAAATCAGAACCTTTGAAGCTTCCTCTTTGAGGGCTAACTTTTCTTGAGA[T>G]TTTGCCTCTGACATCTTAATTTCTTCAGACCTTAGGGCTTTTTGGGAAATTTCCTCTTGG-3'
Protein context (NP_001254479.2, residues 35546-35566): RSEEIKMSEA[Lys35556Asn]SQEKLALKEE